The following is an entry in ClinVar:

ClinVar aggregate classification (germline): Benign (1 of 4 stars; one submission).

Conditions:
Mulibrey nanism syndrome. Also called: MUSCLE-LIVER-BRAIN-EYE NANISM; PERHEENTUPA SYNDROME; PERICARDIAL CONSTRICTION AND GROWTH FAILURE. Identifiers: Orphanet 2576, MedGen C0524582, MONDO:0009664, OMIM 253250.

Allele frequency attached by ClinVar (database versions not stated): gnomAD exomes 0.00071; 1000 Genomes Project 0.00859; 1000 Genomes Project 30x 0.00859; gnomAD 0.00883 and 0.00951; TOPMed 0.01010.
gnomAD v4.1: 2,048 of 1,119,008 alleles (0.18%); highest among the groups gnomAD compares: African/African-American, 3.1%; 32 homozygotes.

Submission:

Illumina Laboratory Services, Illumina
Classification: Benign for Mulibrey nanism syndrome. Last evaluated: 2018-01-13. Review status: criteria provided, single submitter. Criteria: ICSL Variant Classification Criteria 13 December 2019. Collection method: clinical testing. Allele origin: germline.
Comment: This variant was observed in the ICSL laboratory as part of a predisposition screen in an ostensibly healthy population. It had not been previously curated by ICSL or reported in the Human Gene Mutation Database (HGMD: prior to June 1st, 2018), and was therefore a candidate for classification through an automated scoring system. Utilizing variant allele frequency, disease prevalence and penetrance estimates, and inheritance mode, an automated score was calculated to assess if this variant is too frequent to cause the disease. Based on the score and internal cut-off values, a variant classified as benign is not then subjected to further curation. The score for this variant resulted in a classification of benign for this disease.

NM_015294.6(TRIM37):c.*373A>G

Gene: TRIM37 (tripartite motif containing 37; minus strand). Cytogenetic location: 17q22.
Variant type: single nucleotide variant.
Coding change: c.*373A>G on transcript NM_015294.6 (MANE Select); 373 bases downstream of the stop codon, A replaced by G.
Molecular consequence: 3 prime UTR variant. On other transcripts: non-coding transcript variant (2), intron variant (2).
Genome position (GRCh38, 1-based): chr17:58,999,004, T>C on the plus strand (A>G on the coding strand, the complement: TRIM37 is on the minus strand). VCF-style: chr17-58999004-T-C. GRCh37 (hg19) VCF-style: chr17-57076365-T-C.
Other names: c.*373A>G (NM_001320987.3, NM_001320988.3, NM_001320990.3 and 5 more transcripts); c.2774+377A>G (NM_001320989.3); c.2891+377A>G (NM_001005207.5).
Identifiers: ClinVar variation 889219 (VCV000889219.4), dbSNP rs145973955, ClinGen allele CA292655380.